The following is an entry in ClinVar:

NM_006420.3(ARFGEF2):c.2010G>A (p.Met670Ile)

Gene: ARFGEF2 (ARF guanine nucleotide exchange factor 2; plus strand). Cytogenetic location: 20q13.13.
Variant type: single nucleotide variant.
Coding change: c.2010G>A on transcript NM_006420.3 (MANE Select); coding-DNA position 2010, G replaced by A.
Protein change: p.Met670Ile; replaces methionine 670 with isoleucine.
Molecular consequence: missense variant.
Genome position (GRCh38, 1-based): chr20:48,984,780, G>A. VCF-style: chr20-48984780-G-A. GRCh37 (hg19) VCF-style: chr20-47601317-G-A.
Other names: short protein forms M670I.
Identifiers: ClinVar variation 384296 (VCV000384296.9), dbSNP rs144227832, ClinGen allele CA9898536.

ClinVar aggregate classification (germline): Uncertain significance. Review status: criteria provided, multiple submitters, no conflicts (2 of 4 stars). 3 submissions from 3 submitters: Uncertain significance (3). Last evaluated 2024-07-16.

Conditions:
Inborn genetic diseases. Identifiers: MedGen C0950123, MeSH D030342.

Allele frequency attached by ClinVar (database versions not stated): ExAC 0.00007; gnomAD exomes 0.00007 and 0.00013; ESP Exome Variant Server 0.00008; TOPMed 0.00010; gnomAD 0.00013; 1000 Genomes Project 30x 0.00016; 1000 Genomes Project 0.00020.
gnomAD v4.1: 210 of 1,613,700 alleles (0.013%); highest among the groups gnomAD compares: Non-Finnish European, 0.017%; no homozygotes.

Submissions (3):

Ambry Genetics
Classification: Uncertain significance for Inborn genetic diseases. Last evaluated: 2024-07-16. Review status: criteria provided, single submitter. Criteria: Ambry Variant Classification Scheme 2023. Collection method: clinical testing. Allele origin: germline.

Labcorp Genetics (formerly Invitae), Labcorp
Classification: Uncertain significance. Last evaluated: 2022-07-12. Review status: criteria provided, single submitter. Criteria: Invitae Variant Classification Sherloc (09022015). Collection method: clinical testing. Allele origin: germline.
Comment: This sequence change replaces methionine, which is neutral and non-polar, with isoleucine, which is neutral and non-polar, at codon 670 of the ARFGEF2 protein (p.Met670Ile). This variant is present in population databases (rs144227832, gnomAD 0.02%). This variant has not been reported in the literature in individuals affected with ARFGEF2-related conditions. ClinVar contains an entry for this variant (Variation ID: 384296). Algorithms developed to predict the effect of missense changes on protein structure and function (SIFT, PolyPhen-2, Align-GVGD) all suggest that this variant is likely to be tolerated. In summary, the available evidence is currently insufficient to determine the role of this variant in disease. Therefore, it has been classified as a Variant of Uncertain Significance.

GeneDx
Classification: Uncertain significance. Last evaluated: 2019-03-15. Review status: criteria provided, single submitter. Criteria: GeneDx Variant Classification Process June 2021. Collection method: clinical testing. Allele origin: germline. Affected: yes.
Comment: In silico analysis, which includes protein predictors and evolutionary conservation, supports that this variant does not alter protein structure/function; Has not been previously published as pathogenic or benign to our knowledge